The following is an entry in ClinVar:

NM_001267550.2(TTN):c.99786_99790del (p.Thr33263fs)

Genes: TTN (titin; minus strand), TTN-AS1 (TTN antisense RNA 1; plus strand), LOC126806420 (BRD4-independent group 4 enhancer GRCh37_chr2:179401104-179402303; plus strand). Cytogenetic location: 2q31.2.
Variant type: Deletion.
Coding change: c.99786_99790del on transcript NM_001267550.2 (MANE Select); coding-DNA positions 99786 to 99790, 5 bases deleted (GACTC; older notation c.99786_99790delGACTC).
Protein change: p.Thr33263fs; shifts the reading frame from threonine 33263.
Molecular consequence: frameshift variant. On other transcripts: non-coding transcript variant (1).
Genome position (GRCh38, 1-based): chr2:178,537,417-178,537,421, GAGTC deleted on the plus strand (GACTC on the coding strand, the reverse complement: TTN is on the minus strand). VCF-style (leftmost placement, unchanged base first): chr2-178537416-TGAGTC-T. GRCh37 (hg19) VCF-style: chr2-179402143-TGAGTC-T.
Other names: c.94863_94867del, p.Thr31622fs (NM_001256850.1); c.72591_72595del, p.Thr24198fs (NM_003319.4); c.92082_92086del, p.Thr30695fs (NM_133378.4); c.72966_72970del, p.Thr24323fs (NM_133432.3); c.73167_73171del, p.Thr24390fs (NM_133437.4); short protein forms T24198fs, T24390fs, T33263fs, T30695fs, T31622fs, T24323fs.
Identifiers: ClinVar variation 1474053 (VCV001474053.8), dbSNP rs2154138232, ClinGen allele CA2573134082.

ClinVar aggregate classification (germline): Likely pathogenic (1 of 4 stars; one submission).

Conditions:
Dilated cardiomyopathy 1G (CMD1G). Identifiers: Orphanet 154, MedGen C1858763, MONDO:0011400, OMIM 604145.
Autosomal recessive limb-girdle muscular dystrophy type 2J (LGMDR10). Also called: MUSCULAR DYSTROPHY, LIMB-GIRDLE, AUTOSOMAL RECESSIVE 10; Limb-girdle muscular dystrophy, type 2J. Identifiers: Orphanet 140922, MedGen C1837342, MONDO:0012127, OMIM 608807.

Submission:

Labcorp Genetics (formerly Invitae), Labcorp
Classification: Likely pathogenic for Dilated cardiomyopathy 1G; Autosomal recessive limb-girdle muscular dystrophy type 2J. Last evaluated: 2022-06-27. Review status: criteria provided, single submitter. Criteria: Invitae Variant Classification Sherloc (09022015). Collection method: clinical testing. Allele origin: germline.
Comment: This sequence change creates a premature translational stop signal (p.Thr33263Cysfs*16) in the TTN gene. While this is not anticipated to result in nonsense mediated decay, it is expected to create a truncated TTN protein. This variant is not present in population databases (gnomAD no frequency). This variant has not been reported in the literature in individuals affected with TTN-related conditions. This variant is located in the A band of TTN (PMID: 25589632). Truncating variants in this region are significantly overrepresented in patients affected with dilated cardiomyopathy (PMID: 25589632). Truncating variants in this region have also been reported in individuals affected with autosomal recessive centronuclear myopathy (PMID: 23975875). In summary, the currently available evidence indicates that the variant is pathogenic, but additional data are needed to prove that conclusively. Therefore, this variant has been classified as Likely Pathogenic.

Literature cited by the submitters: PubMed 25589632; PubMed 23975875.